The following is an entry in ClinVar:

ClinVar aggregate classification (germline): Uncertain significance. Review status: criteria provided, multiple submitters, no conflicts (2 of 4 stars). 2 submissions from 2 submitters: Uncertain significance (2). Last evaluated 2025-09-15.

Conditions:
Basal cell carcinoma, susceptibility to, 1. Also called: BCC1. Identifiers: MedGen C2751544, MONDO:0011556, OMIM 605462.
Gorlin syndrome. Also called: Basal cell nevus syndrome; Nevoid Basal Cell Carcinoma Syndrome. Identifiers: Orphanet 377, MedGen C0004779, MONDO:0007187.
Medulloblastoma (MDB). Also called: MEDULLOBLASTOMA PREDISPOSITION SYNDROME; Medulloblastoma, somatic. Identifiers: Orphanet 616, MedGen C0025149, MeSH D008527, MONDO:0007959, OMIM 155255, HP:0002885.

Allele frequency attached by ClinVar (database versions not stated): gnomAD 0.00001; TOPMed 0.00002; gnomAD exomes 0.00007 and 0.00010; ExAC 0.00020.
gnomAD v4.1: 97 of 1,596,432 alleles (0.0061%); highest among the groups gnomAD compares: South Asian, 0.082%; 1 homozygote.

Submissions (2):

Labcorp Genetics (formerly Invitae), Labcorp
Classification: Uncertain significance for Gorlin syndrome. Last evaluated: 2025-09-15. Review status: criteria provided, single submitter. Criteria: Invitae Variant Classification Sherloc (09022015). Collection method: clinical testing. Allele origin: germline.
Comment: This sequence change replaces valine, which is neutral and non-polar, with methionine, which is neutral and non-polar, at codon 184 of the PTCH2 protein (p.Val184Met). This variant is present in population databases (rs748846701, gnomAD 0.06%), and has an allele count higher than expected for a pathogenic variant. This variant has not been reported in the literature in individuals affected with PTCH2-related conditions. ClinVar contains an entry for this variant (Variation ID: 1431454). Invitae Evidence Modeling of protein sequence and biophysical properties (such as structural, functional, and spatial information, amino acid conservation, physicochemical variation, residue mobility, and thermodynamic stability) indicates that this missense variant is not expected to disrupt PTCH2 protein function with a negative predictive value of 80%. In summary, the available evidence is currently insufficient to determine the role of this variant in disease. Therefore, it has been classified as a Variant of Uncertain Significance.

Fulgent Genetics
Classification: Uncertain significance for Basal cell nevus syndrome 1; Medulloblastoma; Basal cell carcinoma, susceptibility to, 1. Last evaluated: 2021-11-24. Review status: criteria provided, single submitter. Criteria: ACMG Guidelines, 2015. Collection method: clinical testing. Allele origin: unknown.

NM_003738.5(PTCH2):c.550G>A (p.Val184Met)

Gene: PTCH2 (patched 2; minus strand). Cytogenetic location: 1p34.1.
Variant type: single nucleotide variant.
Coding change: c.550G>A on transcript NM_003738.5 (MANE Select); coding-DNA position 550, G replaced by A.
Protein change: p.Val184Met; replaces valine 184 with methionine.
Molecular consequence: missense variant.
Genome position (GRCh38, 1-based): chr1:44,831,773, C>T on the plus strand (G>A on the coding strand, the complement: PTCH2 is on the minus strand). VCF-style: chr1-44831773-C-T. GRCh37 (hg19) VCF-style: chr1-45297445-C-T.
Other names: c.550G>A, p.Val184Met (NM_001166292.2); short protein forms V184M.
Identifiers: ClinVar variation 1431454 (VCV001431454.7), dbSNP rs748846701, ClinGen allele CA823583.